The following is an entry in ClinVar:

NM_203446.3(SYNJ1):c.1942C>T (p.Pro648Ser)

Gene: SYNJ1 (synaptojanin 1; minus strand). Cytogenetic location: 21q22.11.
Variant type: single nucleotide variant.
Coding change: c.1942C>T on transcript NM_203446.3 (MANE Select); coding-DNA position 1942, C replaced by T.
Protein change: p.Pro648Ser; replaces proline 648 with serine.
Molecular consequence: missense variant.
Genome position (GRCh38, 1-based): chr21:32,666,443, G>A on the plus strand (C>T on the coding strand, the complement: SYNJ1 is on the minus strand). VCF-style: chr21-32666443-G-A. GRCh37 (hg19) VCF-style: chr21-34038753-G-A.
Other names: c.1942C>T, p.Pro648Ser (NM_001160302.2); c.1927C>T, p.Pro643Ser (NM_001160306.2); c.2059C>T, p.Pro687Ser (NM_003895.4); short protein forms P643S, P687S, P648S.
Identifiers: ClinVar variation 1912938 (VCV001912938.3), dbSNP rs1288879559, ClinGen allele CA410080312.

ClinVar aggregate classification (germline): Uncertain significance. Review status: criteria provided, multiple submitters, no conflicts (2 of 4 stars). 2 submissions from 2 submitters: Uncertain significance (2). Last evaluated 2024-03-08.

Conditions:
Developmental and epileptic encephalopathy, 53. Also called: Epileptic encephalopathy, early infantile, 53. Identifiers: MedGen C4479313, MONDO:0033362, OMIM 617389.
Early-onset Parkinson disease 20. Also called: PARKINSON DISEASE 20, AUTOSOMAL RECESSIVE EARLY-ONSET. Identifiers: Orphanet 391411, MedGen C3809824, MONDO:0014233, OMIM 615530.
Inborn genetic diseases. Identifiers: MedGen C0950123, MeSH D030342.

Allele frequency attached by ClinVar (database versions not stated): gnomAD exomes below 0.00001; TOPMed below 0.00001.
gnomAD v4.1: 2 of 1,613,754 alleles (0.00012%); highest among the groups gnomAD compares: Admixed American, 0.0033%; no homozygotes.

Submissions (2):

Ambry Genetics
Classification: Uncertain significance for Inborn genetic diseases. Last evaluated: 2024-03-08. Review status: criteria provided, single submitter. Criteria: Ambry Variant Classification Scheme 2023. Collection method: clinical testing. Allele origin: germline.

Labcorp Genetics (formerly Invitae), Labcorp
Classification: Uncertain significance for Developmental and epileptic encephalopathy, 53; Early-onset Parkinson disease 20. Last evaluated: 2022-03-15. Review status: criteria provided, single submitter. Criteria: Invitae Variant Classification Sherloc (09022015). Collection method: clinical testing. Allele origin: germline.
Comment: This sequence change replaces proline, which is neutral and non-polar, with serine, which is neutral and polar, at codon 687 of the SYNJ1 protein (p.Pro687Ser). This variant is present in population databases (no rsID available, gnomAD 0.003%). This variant has not been reported in the literature in individuals affected with SYNJ1-related conditions. Algorithms developed to predict the effect of missense changes on protein structure and function are either unavailable or do not agree on the potential impact of this missense change (SIFT: "Tolerated"; PolyPhen-2: "Probably Damaging"; Align-GVGD: "Class C0"). In summary, the available evidence is currently insufficient to determine the role of this variant in disease. Therefore, it has been classified as a Variant of Uncertain Significance.